The following is an entry in ClinVar:

NM_001113378.2(FANCI):c.*244dup

Genes: FANCI (FA complementation group I; plus strand), POLG (DNA polymerase gamma, catalytic subunit; minus strand). Cytogenetic location: 15q26.1.
Variant type: Duplication.
Coding change: c.*244dup on transcript NM_001113378.2 (MANE Select); 244 bases downstream of the stop codon, one base duplicated (C; older notation c.*244dupC).
Molecular consequence: 3 prime UTR variant.
Genome position (GRCh38, 1-based): chr15:89,316,703, C duplicated; the last of 2 consecutive C bases (chr15:89,316,702-89,316,703); duplicating either gives the same sequence. VCF-style (leftmost placement, unchanged base first): chr15-89316701-A-AC. GRCh37 (hg19) VCF-style: chr15-89859932-A-AC.
Other names: c.*49dup (NM_001126131.2, NM_002693.3); c.*244dup (NM_001376910.1, NM_001376911.1, NM_018193.3).
Identifiers: ClinVar variation 317306 (VCV000317306.10), dbSNP rs3087377, ClinGen allele CA7724014.

ClinVar aggregate classification (germline): Benign. Review status: criteria provided, multiple submitters, no conflicts (2 of 4 stars). 3 submissions from 3 submitters: Benign (3). Last evaluated 2025-12-02.

Conditions:
FANCI-related disorder. Also called: FANCI-related condition.

Submissions (3):

PreventionGenetics, part of Exact Sciences
Classification: Benign for FANCI-related condition. Last evaluated: 2025-12-02. Review status: criteria provided, single submitter. Criteria: ACMG Guidelines, 2015. Collection method: clinical testing. Allele origin: germline.
Comment: This variant is classified as benign based on ACMG/AMP sequence variant interpretation guidelines (Richards et al. 2015 PMID: 25741868, with internal and published modifications).

Unidad de Genómica Garrahan, Hospital de Pediatría Garrahan
Classification: Benign. Last evaluated: 2024-07-15. Review status: criteria provided, single submitter. Criteria: ACMG Guidelines, 2015. Collection method: clinical testing. Allele origin: germline. Affected: no. Observed: 43 variant alleles.
Comment: This variant is classified as Benign based on local population frequency. This variant was detected in 46% of patients studied in a panel designed for Epileptic and Developmental Encephalopathy and Progressive Myoclonus Epilepsy. Number of patients: 43. Only high quality variants are reported.

GeneDx
Classification: Benign. Last evaluated: 2019-08-30. Review status: criteria provided, single submitter. Criteria: GeneDx Variant Classification Process June 2021. Collection method: clinical testing. Allele origin: germline. Affected: yes.